The following is an entry in ClinVar:

ClinVar aggregate classification (germline): Uncertain significance. Review status: criteria provided, multiple submitters, no conflicts (2 of 4 stars). 2 submissions from 2 submitters: Uncertain significance (2). Last evaluated 2024-05-18.

Conditions:
Myofibrillar myopathy 4. Also called: Zaspopathy (type). Identifiers: Orphanet 98912, MedGen C4721886, MONDO:0012277, OMIM 609452.

gnomAD v4.1: 21 of 1,613,938 alleles (0.0013%); highest among the groups gnomAD compares: Non-Finnish European, 0.0017%; no homozygotes.

Submissions (2):

Labcorp Genetics (formerly Invitae), Labcorp
Classification: Uncertain significance for Myofibrillar myopathy 4. Last evaluated: 2024-05-18. Review status: criteria provided, single submitter. Criteria: Invitae Variant Classification Sherloc (09022015). Collection method: clinical testing. Allele origin: germline.
Comment: This sequence change falls in intron 5 of the LDB3 gene. It does not directly change the encoded amino acid sequence of the LDB3 protein. It affects a nucleotide within the consensus splice site. This variant is not present in population databases (gnomAD no frequency). This variant has not been reported in the literature in individuals affected with LDB3-related conditions. ClinVar contains an entry for this variant (Variation ID: 1308938). Variants that disrupt the consensus splice site are a relatively common cause of aberrant splicing (PMID: 17576681, 9536098). Algorithms developed to predict the effect of sequence changes on RNA splicing suggest that this variant may disrupt the consensus splice site. In summary, the available evidence is currently insufficient to determine the role of this variant in disease. Therefore, it has been classified as a Variant of Uncertain Significance.

GeneDx
Classification: Uncertain significance. Last evaluated: 2020-01-23. Review status: criteria provided, single submitter. Criteria: GeneDx Variant Classification Process June 2021. Collection method: clinical testing. Allele origin: germline. Affected: yes.
Comment: Has not been previously published as pathogenic or benign to our knowledge; Not observed in large population cohorts (Lek et al., 2016); In silico analysis, which includes splice predictors and evolutionary conservation, supports a deleterious effect

Literature cited by the submitters: PubMed 17576681 (cited by Labcorp Genetics (formerly Invitae), Labcorp); PubMed 9536098 (cited by Labcorp Genetics (formerly Invitae), Labcorp).

NM_007078.3(LDB3):c.690-4621A>T

Genes: LDB3 (LIM domain binding 3; plus strand), LOC110121486 (VISTA enhancer hs2143; plus strand). Cytogenetic location: 10q23.2.
Variant type: single nucleotide variant.
Coding change: c.690-4621A>T on transcript NM_007078.3 (MANE Select); 4621 bases into the intron before coding-DNA position 690, A replaced by T.
Molecular consequence: intron variant.
Genome position (GRCh38, 1-based): chr10:86,687,275, A>T. VCF-style: chr10-86687275-A-T. GRCh37 (hg19) VCF-style: chr10-88447032-A-T.
Other names: c.690-4621A>T (NM_001368064.1, NM_001368063.1, NM_001368065.1 and 1 more transcripts); c.548+3A>T (NM_001368068.1, NM_001368066.1, NM_001080114.2 and 2 more transcripts); c.893+3A>T (NM_001171610.2, NM_001171611.2).
Identifiers: ClinVar variation 1308938 (VCV001308938.11), dbSNP rs370053163, ClinGen allele CA2573053320.
Genomic context (GRCh38, chr10:86,687,275, plus strand): 5'-ATGCCATCATGGATGCCATCGCTGGGCAGGCCCAAGCCCAAGGCAGTGACTTCAGTGGGT[A>T]AGCGCCTCCCTCCTCCACCGCCACTCAGTGCCTCCAGAGCCCGAGGGGTATGGGCCATTG-3'